The following is an entry in ClinVar:

ClinVar aggregate classification (germline): Uncertain significance (1 of 4 stars; one submission).

Conditions:
2-aminoadipic 2-oxoadipic aciduria (AAKAD). Also called: Aminoadipic aciduria; ALPHA-AMINOADIPIC AND ALPHA-KETOADIPIC ACIDURIA. Identifiers: Orphanet 79154, MedGen C1859817, MONDO:0008774, OMIM 204750.

gnomAD v4.1: 3 of 1,603,736 alleles (0.00019%); highest among the groups gnomAD compares: Non-Finnish European, 0.00026%; no homozygotes.

Submission:

Labcorp Genetics (formerly Invitae), Labcorp
Classification: Uncertain significance for 2-aminoadipic 2-oxoadipic aciduria. Last evaluated: 2024-10-23. Review status: criteria provided, single submitter. Criteria: Invitae Variant Classification Sherloc (09022015). Collection method: clinical testing. Allele origin: germline.
Comment: This sequence change replaces aspartic acid, which is acidic and polar, with glycine, which is neutral and non-polar, at codon 721 of the DHTKD1 protein (p.Asp721Gly). This variant is not present in population databases (gnomAD no frequency). This variant has not been reported in the literature in individuals affected with DHTKD1-related conditions. Invitae Evidence Modeling of protein sequence and biophysical properties (such as structural, functional, and spatial information, amino acid conservation, physicochemical variation, residue mobility, and thermodynamic stability) indicates that this missense variant is not expected to disrupt DHTKD1 protein function with a negative predictive value of 80%. In summary, the available evidence is currently insufficient to determine the role of this variant in disease. Therefore, it has been classified as a Variant of Uncertain Significance.

NM_018706.7(DHTKD1):c.2162A>G (p.Asp721Gly)

Gene: DHTKD1 (dehydrogenase E1 and transketolase domain containing 1; plus strand). Cytogenetic location: 10p14.
Variant type: single nucleotide variant.
Coding change: c.2162A>G on transcript NM_018706.7 (MANE Select); coding-DNA position 2162, A replaced by G.
Protein change: p.Asp721Gly; replaces aspartic acid 721 with glycine.
Molecular consequence: missense variant.
Genome position (GRCh38, 1-based): chr10:12,112,907, A>G. VCF-style: chr10-12112907-A-G. GRCh37 (hg19) VCF-style: chr10-12154906-A-G.
Other names: short protein forms D721G.
Identifiers: ClinVar variation 3622270 (VCV003622270.2).